The following is an entry in ClinVar:

ClinVar aggregate classification (germline): Uncertain significance (1 of 4 stars; one submission).

Submission:

Labcorp Genetics (formerly Invitae), Labcorp
Classification: Uncertain significance. Last evaluated: 2020-10-26. Review status: criteria provided, single submitter. Criteria: Invitae Variant Classification Sherloc (09022015). Collection method: clinical testing. Allele origin: germline.
Comment: In summary, the available evidence is currently insufficient to determine the role of this variant in disease. Therefore, it has been classified as a Variant of Uncertain Significance. Experimental studies and prediction algorithms are not available or were not evaluated, and the functional significance of this variant is currently unknown. This variant has not been reported in the literature in individuals with DNAJC21-related conditions. This variant results in a copy number gain of the genomic region encompassing exon(s) 8-12 of the DNAJC21 gene. The 5' boundary is likely confined to intron 7. The 3' end of this event is unknown as it extends beyond the assayed region for this gene and therefore may encompass additional genes. As the precise location of this event is unknown, it may be in tandem or it may be located elsewhere in the genome.

NC_000005.9:g.(?_34944952)_(34954819_?)dup

Gene: DNAJC21 (DnaJ heat shock protein family (Hsp40) member C21; plus strand). Cytogenetic location: 5p13.2.
Variant type: Duplication.
Identifiers: ClinVar variation 1431790 (VCV001431790.4).